The following is an entry in ClinVar:

NC_000021.9:g.46363480del

Gene: PCNT (pericentrin; plus strand). Cytogenetic location: 21q22.3.
Variant type: Deletion.
Genome position: GRCh38 VCF-style: chr21-46363478-AG-A. GRCh37 (hg19) VCF-style: chr21-47783393-AG-A.
Identifiers: ClinVar variation 2842432 (VCV002842432.3), dbSNP rs1223965579, ClinGen allele CA638499246.

ClinVar aggregate classification (germline): Pathogenic (1 of 4 stars; one submission).

Submission:

Labcorp Genetics (formerly Invitae), Labcorp
Classification: Pathogenic. Last evaluated: 2023-03-03. Review status: criteria provided, single submitter. Criteria: Invitae Variant Classification Sherloc (09022015). Collection method: clinical testing. Allele origin: germline.
Comment: This sequence change creates a premature translational stop signal (p.Val719*) in the PCNT gene. It is expected to result in an absent or disrupted protein product. Loss-of-function variants in PCNT are known to be pathogenic (PMID: 18174396, 22821869). This variant is present in population databases (no rsID available, gnomAD 0.01%). This variant has not been reported in the literature in individuals affected with PCNT-related conditions. Algorithms developed to predict the effect of sequence changes on RNA splicing suggest that this variant may disrupt the consensus splice site. For these reasons, this variant has been classified as Pathogenic.

Literature cited by the submitters: PubMed 18174396; PubMed 22821869.